The following is an entry in ClinVar:

ClinVar aggregate classification (germline): Uncertain significance. Review status: criteria provided, multiple submitters, no conflicts (2 of 4 stars). 4 submissions from 4 submitters: Uncertain significance (3). 1 of the submissions does not count toward it. Last evaluated 2024-01-23.

Conditions:
Inborn genetic diseases. Identifiers: MedGen C0950123, MeSH D030342.
Pontocerebellar hypoplasia type 1A (PCH1A). Also called: PONTOCEREBELLAR HYPOPLASIA WITH ANTERIOR HORN CELL DISEASE; PONTOCEREBELLAR HYPOPLASIA WITH INFANTILE SPINAL MUSCULAR ATROPHY. Identifiers: Orphanet 2254, Orphanet 88616, MedGen C1843504, MONDO:0011866, OMIM 607596.

Allele frequency attached by ClinVar (database versions not stated): gnomAD 0.00001; gnomAD exomes 0.00001 and 0.00002; TOPMed 0.00001.
gnomAD v4.1: 21 of 1,613,360 alleles (0.0013%); highest among the groups gnomAD compares: Admixed American, 0.013%; 1 homozygote.

Submissions (4):

Ambry Genetics
Classification: Uncertain significance for Inborn genetic diseases. Last evaluated: 2024-01-23. Review status: criteria provided, single submitter. Criteria: Ambry Variant Classification Scheme 2023. Collection method: clinical testing. Allele origin: germline.

Labcorp Genetics (formerly Invitae), Labcorp
Classification: Uncertain significance for Pontocerebellar hypoplasia type 1A. Last evaluated: 2021-08-31. Review status: criteria provided, single submitter. Criteria: Invitae Variant Classification Sherloc (09022015). Collection method: clinical testing. Allele origin: germline.
Comment: This sequence change replaces lysine with arginine at codon 121 of the VRK1 protein (p.Lys121Arg). The lysine residue is highly conserved and there is a small physicochemical difference between lysine and arginine. This variant is not present in population databases (ExAC no frequency). This variant has not been reported in the literature in individuals affected with VRK1-related conditions. ClinVar contains an entry for this variant (Variation ID: 424454). Algorithms developed to predict the effect of missense changes on protein structure and function (SIFT, PolyPhen-2, Align-GVGD) all suggest that this variant is likely to be tolerated. Algorithms developed to predict the effect of sequence changes on RNA splicing suggest that this variant may create or strengthen a splice site. In summary, the available evidence is currently insufficient to determine the role of this variant in disease. Therefore, it has been classified as a Variant of Uncertain Significance.

GeneDx
Classification: Uncertain significance. Last evaluated: 2017-03-27. Review status: criteria provided, single submitter. Criteria: GeneDx Variant Classification (06012015). Collection method: clinical testing. Allele origin: germline. Affected: yes.
Comment: The K121R variant has not been published as a pathogenic variant, nor has it been reported as a benign variant to our knowledge. The K121R variant is not observed in large population cohorts (Lek et al., 2016; 1000 Genomes Consortium et al., 2015; Exome Variant Server). This variant is a conservative amino acid substitution, which is not likely to impact secondary protein structure as these residues share similar properties. However, this substitution occurs at a position that is conserved across species. Additionally, a missense variant in a nearby residue (H119R) has been reported in an individual with amyotrophic lateral sclerosis who harbored an additional variant on the opposite VRK1 allele (Nguyen et al., 2015). In silico analysis is inconsistent in its predictions as to whether or not the variant is damaging to the protein structure/function.

Natera, Inc.
Classification: Uncertain significance for Pontocerebellar hypoplasia, type 1a. Last evaluated: 2021-03-05. Review status: no assertion criteria provided. Collection method: clinical testing. Allele origin: germline. Not counted in ClinVar's aggregate classification.

NM_003384.3(VRK1):c.362A>G (p.Lys121Arg)

Gene: VRK1 (VRK serine/threonine kinase 1; plus strand). Cytogenetic location: 14q32.2.
Variant type: single nucleotide variant.
Coding change: c.362A>G on transcript NM_003384.3 (MANE Select); coding-DNA position 362, A replaced by G.
Protein change: p.Lys121Arg; replaces lysine 121 with arginine.
Molecular consequence: missense variant.
Genome position (GRCh38, 1-based): chr14:96,847,332, A>G. VCF-style: chr14-96847332-A-G. GRCh37 (hg19) VCF-style: chr14-97313669-A-G.
Other names: short protein forms K121R.
Identifiers: ClinVar variation 424454 (VCV000424454.12), dbSNP rs1064796973, ClinGen allele CA16619900.